The following is an entry in ClinVar:

NM_018699.4(PRDM5):c.7G>T (p.Gly3Cys)

Gene: PRDM5 (PR/SET domain 5; minus strand). Cytogenetic location: 4q27.
Variant type: single nucleotide variant.
Coding change: c.7G>T on transcript NM_018699.4 (MANE Select); coding-DNA position 7, G replaced by T.
Protein change: p.Gly3Cys; replaces glycine 3 with cysteine.
Molecular consequence: missense variant.
Genome position (GRCh38, 1-based): chr4:120,922,602, C>A on the plus strand (G>T on the coding strand, the complement: PRDM5 is on the minus strand). VCF-style: chr4-120922602-C-A. GRCh37 (hg19) VCF-style: chr4-121843757-C-A.
Other names: c.7G>T, p.Gly3Cys (NM_001300823.2, NM_001300824.2, NM_001379104.1 and 1 more transcripts); short protein forms G3C.
Identifiers: ClinVar variation 1761607 (VCV001761607.2), dbSNP rs2479843981, ClinGen allele CA358209987.

ClinVar aggregate classification (germline): Uncertain significance (1 of 4 stars; one submission).

Conditions:
Cardiovascular phenotype. Identifiers: MedGen CN230736.

Submission:

Ambry Genetics
Classification: Uncertain significance for Cardiovascular phenotype. Last evaluated: 2022-04-25. Review status: criteria provided, single submitter. Criteria: Ambry Variant Classification Scheme 2023. Collection method: clinical testing. Allele origin: germline.
Comment: The p.G3C variant (also known as c.7G>T), located in coding exon 1 of the PRDM5 gene, results from a G to T substitution at nucleotide position 7. The glycine at codon 3 is replaced by cysteine, an amino acid with highly dissimilar properties. This amino acid position is conserved. In addition, this alteration is predicted to be tolerated by in silico analysis. Since supporting evidence is limited at this time, the clinical significance of this alteration remains unclear.